The following is an entry in ClinVar:

ClinVar aggregate classification (germline): Uncertain significance. Review status: criteria provided, multiple submitters, no conflicts (2 of 4 stars). 3 submissions from 3 submitters: Uncertain significance (3). Last evaluated 2025-06-20.

Conditions:
Marfan syndrome (MFS). Also called: FBN1-Related Marfan Syndrome; MARFAN SYNDROME, TYPE I; Marfan syndrome type 1; Marfan's syndrome; Marfan syndrome, classic. Identifiers: Orphanet 284963, Orphanet 558, MedGen C0024796, MONDO:0007947, OMIM 154700.
Familial thoracic aortic aneurysm and aortic dissection (TAAD). Also called: Thoracic aortic aneurysms and dissections. Identifiers: Orphanet 91387, MedGen C4707243, MONDO:0019625.

Allele frequency attached by ClinVar (database versions not stated): gnomAD exomes below 0.00001.
gnomAD v4.1: 2 of 1,614,104 alleles (0.00012%); highest among the groups gnomAD compares: Non-Finnish European, 0.00017%; no homozygotes.

Submissions (3):

GeneDx
Classification: Uncertain significance. Last evaluated: 2025-06-20. Review status: criteria provided, single submitter. Criteria: GeneDx Variant Classification Process June 2021. Collection method: clinical testing. Allele origin: germline. Affected: yes.
Comment: Not observed at significant frequency in large population cohorts (gnomAD); In silico analysis suggests that this missense variant does not alter protein structure/function; Has not been previously published as pathogenic or benign to our knowledge; This variant is associated with the following publications: (PMID: 12938084)

Labcorp Genetics (formerly Invitae), Labcorp
Classification: Uncertain significance for Marfan syndrome; Familial thoracic aortic aneurysm and aortic dissection. Last evaluated: 2024-04-15. Review status: criteria provided, single submitter. Criteria: Invitae Variant Classification Sherloc (09022015). Collection method: clinical testing. Allele origin: germline.
Comment: This sequence change replaces asparagine, which is neutral and polar, with serine, which is neutral and polar, at codon 2319 of the FBN1 protein (p.Asn2319Ser). This variant is not present in population databases (gnomAD no frequency). This missense change has been observed in individual(s) with thoracic aortic aneurysm and dissection (Invitae). Advanced modeling of protein sequence and biophysical properties (such as structural, functional, and spatial information, amino acid conservation, physicochemical variation, residue mobility, and thermodynamic stability) performed at Invitae indicates that this missense variant is not expected to disrupt FBN1 protein function with a negative predictive value of 95%. In summary, the available evidence is currently insufficient to determine the role of this variant in disease. Therefore, it has been classified as a Variant of Uncertain Significance.

Color Diagnostics, LLC DBA Color Health
Classification: Uncertain significance for Familial thoracic aortic aneurysm and aortic dissection. Last evaluated: 2023-12-27. Review status: criteria provided, single submitter. Criteria: ACMG Guidelines, 2015. Collection method: clinical testing. Allele origin: germline.
Comment: This missense variant replaces asparagine with serine at codon 2319 of the FBN1 protein. Computational prediction suggests that this variant may not impact protein structure and function (internally defined REVEL score threshold <= 0.5, PMID: 27666373). To our knowledge, functional studies have not been reported for this variant. This variant has not been reported in individuals affected with FBN1-related disorders in the literature. This variant has not been identified in the general population by the Genome Aggregation Database (gnomAD). The available evidence is insufficient to determine the role of this variant in disease conclusively. Therefore, this variant is classified as a Variant of Uncertain Significance.

NM_000138.5(FBN1):c.6956A>G (p.Asn2319Ser)

Gene: FBN1 (fibrillin 1; minus strand). Cytogenetic location: 15q21.1.
Variant type: single nucleotide variant.
Coding change: c.6956A>G on transcript NM_000138.5 (MANE Select); coding-DNA position 6956, A replaced by G.
Protein change: p.Asn2319Ser; replaces asparagine 2319 with serine.
Molecular consequence: missense variant.
Genome position (GRCh38, 1-based): chr15:48,428,387, T>C on the plus strand (A>G on the coding strand, the complement: FBN1 is on the minus strand). VCF-style: chr15-48428387-T-C. GRCh37 (hg19) VCF-style: chr15-48720584-T-C.
Other names: c.6956A>G, p.Asn2319Ser (NM_001406716.1); short protein forms N2319S.
Identifiers: ClinVar variation 2773322 (VCV002773322.5), dbSNP rs2505415086, ClinGen allele CA392330584.
Genomic context (GRCh38, chr15:48,428,387, plus strand): 5'-CGGTGCCAACTGTACTCACCAAGGCACTCGTCCTGGTTGGGGCTGGCGGTAAACCCATCA[T>C]TACACTCACAGGTGTAGCTCCCACGGGTGTTGAGGCAGCGCCCATTCTCACAGATCCCTG-3'
Protein context (NP_000129.3, residues 2309-2329): NTRGSYTCEC[Asn2319Ser]DGFTASPNQD